The following is an entry in ClinVar:

NM_181882.3(PRX):c.3247_3248delinsTG (p.Pro1083Trp)

Gene: PRX (periaxin; minus strand). Cytogenetic location: 19q13.2.
Variant type: Indel.
Coding change: c.3247_3248delinsTG on transcript NM_181882.3 (MANE Select); coding-DNA positions 3247 to 3248, CC replaced by TG.
Protein change: p.Pro1083Trp; replaces proline 1083 with tryptophan.
Molecular consequence: missense variant. On other transcripts: 3 prime UTR variant (1).
Genome position (GRCh38, 1-based): chr19:40,395,104-40,395,105, GG replaced by CA on the plus strand (CC replaced by TG on the coding strand, the reverse complement: PRX is on the minus strand). VCF-style: chr19-40395104-GG-CA. GRCh37 (hg19) VCF-style: chr19-40901011-GG-CA.
Other names: c.*3452_*3453delinsTG (NM_020956.2); short protein forms P1083W.
Identifiers: ClinVar variation 863126 (VCV000863126.6), dbSNP rs2079419662, ClinGen allele CA916081228.

ClinVar aggregate classification (germline): Uncertain significance (1 of 4 stars; one submission).

Conditions:
Charcot-Marie-Tooth disease type 4. Also called: Charcot-Marie-Tooth disease, type IV; Charcot-Marie-Tooth, Type 4. Identifiers: Orphanet 64749, MedGen C4082197, MONDO:0018995.

Submission:

Labcorp Genetics (formerly Invitae), Labcorp
Classification: Uncertain significance for Charcot-Marie-Tooth disease type 4. Last evaluated: 2026-01-26. Review status: criteria provided, single submitter. Criteria: Invitae Variant Classification Sherloc (09022015). Collection method: clinical testing. Allele origin: germline.
Comment: This sequence change replaces proline, which is neutral and non-polar, with tryptophan, which is neutral and slightly polar, at codon 1083 of the PRX protein (p.Pro1083Trp). This variant is present in population databases (no rsID available, gnomAD 0.004%). This variant has not been reported in the literature in individuals affected with PRX-related conditions. ClinVar contains an entry for this variant (Variation ID: 863126). An algorithm developed to predict the effect of missense changes on protein structure and function (PolyPhen-2) suggests that this variant is likely to be disruptive. In summary, the available evidence is currently insufficient to determine the role of this variant in disease. Therefore, it has been classified as a Variant of Uncertain Significance.